The following is an entry in ClinVar:

ClinVar aggregate classification (germline): Pathogenic. Review status: reviewed by expert panel (3 of 4 stars). 5 submissions from 5 submitters: Pathogenic (1). 4 of the submissions do not count toward it. Last evaluated 2022-06-10.

Conditions:
Monogenic diabetes. Identifiers: Orphanet 183625, MedGen C3888631, MONDO:0015967.
Maturity-onset diabetes of the young (MODY). Also called: Maturity onset diabetes mellitus in young. Identifiers: Orphanet 552, MedGen C0342276, MONDO:0018911, HP:0004904.

Submissions (5):

ClinGen Monogenic Diabetes Variant Curation Expert Panel
Classification: Pathogenic for Monogenic diabetes. Last evaluated: 2022-06-10. Review status: reviewed by expert panel. Criteria: ClinGen Diabetes ACMG Specifications v1 1. Collection method: curation. Allele origin: germline. Inheritance: Autosomal dominant inheritance.
Comment: The c.620G>A variant in the HNF1 Homeobox A gene, HNF1A, causes an amino acid change of glycine to aspartic acid at codon 207 (p.(Gly207Asp)) of NM_000545.8. This variant was identified in six unrelated individuals with non- autoimmune and non-absolute/near-absolute insulin-deficient diabetes (PS4_Moderate). Furthermore, this variant segregated with diabetes, with 10 informative meioses, in one family with MODY (PP1_Strong). The glycine at the 207 codon position is located within a conserved region of the DNA binding domain (codons 107-174 and 201-280) of HNF1A, which is defined as critical for the protein’s function by the ClinGen MDEP (PM1_Supporting). This variant is predicted to be deleterious by computational evidence, with a REVEL score of 0.937, which is greater than the MDEP VCEP threshold of 0.70 (PP3). In summary, c.620G>A meets the criteria to be classified as pathogenic for monogenic diabetes. ACMG/AMP criteria applied, as specified by the ClinGen MDEP (specification version 1.1, approved 9/30/2021): PP1_Strong, PM1_Supporting, PM2_Supporting, PS4_Moderate, PP4_Moderate, PP3.

GeneDx
Classification: Likely pathogenic. Last evaluated: 2026-03-18. Review status: criteria provided, single submitter. Criteria: GeneDx Variant Classification Process June 2021. Collection method: clinical testing. Allele origin: germline. Not counted in ClinVar's aggregate classification.
Comment: Not observed at significant frequency in large population cohorts (gnomAD); In silico analysis supports that this missense variant has a deleterious effect on protein structure/function; Considered diagnostic by a well-established clinical consortium and/or database (ClinGen Monogenic Diabetes VCEP); This variant is associated with the following publications: (PMID: 16496320, 26110317, 22808921, 21683639, 20393147, 16917892, 24069322, 23803251, 35328643, 32395877, 31517624, 32910913, 35673428, 30229274, 23674172, 36257325, 26479152)

Women's Health and Genetics/Laboratory Corporation of America, LabCorp
Classification: Pathogenic for Maturity-onset diabetes of the young. Last evaluated: 2023-03-02. Review status: criteria provided, single submitter. Criteria: LabCorp Variant Classification Summary - May 2015. Collection method: clinical testing. Allele origin: germline. Not counted in ClinVar's aggregate classification.
Comment: Variant summary: HNF1A c.620G>A (p.Gly207Asp) results in a non-conservative amino acid change to a highly conserved residue located in the Homeobox domain (IPR001356) of the encoded protein sequence. Five of five in-silico tools predict a damaging effect of the variant on protein function. The variant was absent in 251266 control chromosomes. c.620G>A has been reported in the literature in multiple individuals affected with Maturity Onset Diabetes Of The Young (Ellard_2006, Frayling_2001, Kyithat_2011, Shepherd_2018). These data indicate that the variant is very likely to be associated with disease. To our knowledge, no experimental evidence demonstrating an impact on protein function has been reported. An expert panel (ClinGen Monogenic Diabetes Variant Curation Expert Panel) (evaluation after 2014) cites the variant as pathogenic in ClinVar. Another ClinVar submitter (evaluation after 2014) cites it as uncertain significance. Based on the evidence outlined above, the variant was classified as pathogenic.

Athena Diagnostics
Classification: Uncertain significance. Last evaluated: 2017-05-09. Review status: criteria provided, single submitter. Criteria: Athena Diagnostics Criteria. Collection method: clinical testing. Allele origin: germline. Not counted in ClinVar's aggregate classification.

Clinical Genomics, Uppaluri K&H Personalized Medicine Clinic
Classification: Likely risk allele for Maturity-onset diabetes of the young. Review status: criteria provided, single submitter. Criteria: K & H Uppaluri Personalized Medicine Clinic Variant Classification & Assertion Criteria_Updated V.1. Collection method: research. Allele origin: unknown. Inheritance: Autosomal dominant inheritance. Not counted in ClinVar's aggregate classification.
Comment: Mutations in HNF1A gene can predispose to MODY3. It is associated with both micro and macrovascular complications of diabetes, especially cardiovascular complications. Associated with glucosuria. May respond well to sulfonylureas. However, more evidence is required to confer the association of this particular variant rs1555211922 with MODY3.

Literature cited by the submitters: PubMed 12453420 (cited by ClinGen Monogenic Diabetes Variant Curation Expert Panel); PubMed 23674172 (cited by ClinGen Monogenic Diabetes Variant Curation Expert Panel and Athena Diagnostics); PubMed 21683639 (cited by 3 submitters); PubMed 16917892 (cited by 3 submitters); PubMed 1985954 (cited by ClinGen Monogenic Diabetes Variant Curation Expert Panel); PubMed 11272211 (cited by Women's Health and Genetics/Laboratory Corporation of America, LabCorp); PubMed 30229274 (cited by Women's Health and Genetics/Laboratory Corporation of America, LabCorp); PubMed 23803251 (cited by Athena Diagnostics); PubMed 24069322 (cited by Athena Diagnostics); PubMed 20393147 (cited by Athena Diagnostics); PubMed 22808921 (cited by Athena Diagnostics); PubMed 26110317 (cited by Athena Diagnostics); PubMed 16496320 (cited by Athena Diagnostics); PubMed 31517624 (cited by Clinical Genomics, Uppaluri K&H Personalized Medicine Clinic); PubMed 32395877 (cited by Clinical Genomics, Uppaluri K&H Personalized Medicine Clinic); PubMed 35328643 (cited by Clinical Genomics, Uppaluri K&H Personalized Medicine Clinic); PubMed 35673428 (cited by Clinical Genomics, Uppaluri K&H Personalized Medicine Clinic).

NM_000545.8(HNF1A):c.620G>A (p.Gly207Asp)

Gene: HNF1A (HNF1 homeobox A; plus strand). Cytogenetic location: 12q24.31.
Variant type: single nucleotide variant.
Coding change: c.620G>A on transcript NM_000545.8 (MANE Select); coding-DNA position 620, G replaced by A.
Protein change: p.Gly207Asp; replaces glycine 207 with aspartic acid.
Molecular consequence: missense variant.
Genome position (GRCh38, 1-based): chr12:120,993,613, G>A. VCF-style: chr12-120993613-G-A. GRCh37 (hg19) VCF-style: chr12-121431416-G-A.
Other names: NM_000545.8(HNF1A):c.620G>A; p.Gly207Asp; c.620G>A (NM_000545.6); c.620G>A, p.Gly207Asp (NM_001306179.2); short protein forms G207D.
Identifiers: ClinVar variation 447496 (VCV000447496.6), dbSNP rs1555211922, ClinGen allele CA386964424.